The following is an entry in ClinVar:

NM_002637.4(PHKA1):c.1500A>G (p.Arg500=)

Gene: PHKA1 (phosphorylase kinase regulatory subunit alpha 1; minus strand). Cytogenetic location: Xq13.1.
Variant type: single nucleotide variant.
Coding change: c.1500A>G on transcript NM_002637.4 (MANE Select); coding-DNA position 1500, A replaced by G.
Protein change: p.Arg500=; no amino-acid change (arginine 500 retained).
Molecular consequence: synonymous variant.
Genome position (GRCh38, 1-based): chrX:72,636,346, T>C on the plus strand (A>G on the coding strand, the complement: PHKA1 is on the minus strand). VCF-style: chrX-72636346-T-C. GRCh37 (hg19) VCF-style: chrX-71856196-T-C.
Other names: c.1500A>G, p.Arg500= (NM_001122670.2, NM_001172436.2).
Identifiers: ClinVar variation 3032941 (VCV003032941.2), dbSNP rs1275147512, ClinGen allele CA516752368.

ClinVar aggregate classification (germline): Likely benign (0 of 4 stars; one submission).

Conditions:
PHKA1-related disorder. Also called: PHKA1-related condition.

Allele frequency attached by ClinVar (database versions not stated): gnomAD 0.00001; TOPMed 0.00002.
gnomAD v4.1: 4 of 1,200,127 alleles (0.00033%); highest among the groups gnomAD compares: African/African-American, 0.0035%; no homozygotes.

Submission:

PreventionGenetics, part of Exact Sciences
Classification: Likely benign for PHKA1-related condition. Last evaluated: 2020-10-12. Review status: no assertion criteria provided. Collection method: clinical testing. Allele origin: germline.
Comment: This variant is classified as likely benign based on ACMG/AMP sequence variant interpretation guidelines (Richards et al. 2015 PMID: 25741868, with internal and published modifications).